The following is an entry in ClinVar:

ClinVar aggregate classification (germline): Uncertain significance. Review status: criteria provided, multiple submitters, no conflicts (2 of 4 stars). 2 submissions from 2 submitters: Uncertain significance (2). Last evaluated 2024-05-01.

Conditions:
Hereditary cancer-predisposing syndrome. Also called: Neoplastic Syndromes, Hereditary; Tumor predisposition; Hereditary neoplastic syndrome; Hereditary Cancer Syndrome. Identifiers: Orphanet 140162, MedGen C0027672, MeSH D009386, MONDO:0015356.

Submissions (2):

Ambry Genetics
Classification: Uncertain significance for Hereditary cancer-predisposing syndrome. Last evaluated: 2024-05-01. Review status: criteria provided, single submitter. Criteria: Ambry Variant Classification Scheme 2023. Collection method: clinical testing. Allele origin: germline.
Comment: The p.Q1067P variant (also known as c.3200A>C), located in coding exon 15 of the APC gene, results from an A to C substitution at nucleotide position 3200. The glutamine at codon 1067 is replaced by proline, an amino acid with similar properties. This amino acid position is conserved. In addition, in silico predictors for this gene do not accurately predict pathogenicity. Based on the available evidence, the clinical significance of this variant remains unclear.

Color Diagnostics, LLC DBA Color Health
Classification: Uncertain significance for Hereditary cancer-predisposing syndrome. Last evaluated: 2023-12-05. Review status: criteria provided, single submitter. Criteria: ACMG Guidelines, 2015. Collection method: clinical testing. Allele origin: germline.
Comment: This missense variant replaces glutamine with proline at codon 1067 of the APC protein. Computational prediction suggests that this variant may not impact protein structure and function (internally defined REVEL score threshold <= 0.5, PMID: 27666373). To our knowledge, functional studies have not been reported for this variant. This variant has not been reported in individuals affected with APC-related disorders in the literature. This variant has not been identified in the general population by the Genome Aggregation Database (gnomAD). The available evidence is insufficient to determine the role of this variant in disease conclusively. Therefore, this variant is classified as a Variant of Uncertain Significance.

NM_000038.6(APC):c.3200A>C (p.Gln1067Pro)

Gene: APC (APC regulator of Wnt signaling pathway; plus strand). Cytogenetic location: 5q22.2.
Variant type: single nucleotide variant.
Coding change: c.3200A>C on transcript NM_000038.6 (MANE Select); coding-DNA position 3200, A replaced by C.
Protein change: p.Gln1067Pro; replaces glutamine 1067 with proline.
Molecular consequence: missense variant.
Genome position (GRCh38, 1-based): chr5:112,838,794, A>C. VCF-style: chr5-112838794-A-C. GRCh37 (hg19) VCF-style: chr5-112174491-A-C.
Other names: c.3230A>C, p.Gln1077Pro (NM_001354897.2); c.3125A>C, p.Gln1042Pro (NM_001354898.2); c.3116A>C, p.Gln1039Pro (NM_001354899.2); c.2720A>C, p.Gln907Pro (NM_001354905.2); c.3023A>C, p.Gln1008Pro (NM_001354901.2); c.2927A>C, p.Gln976Pro (NM_001354902.2); c.2351A>C, p.Gln784Pro (NM_001354906.2); c.3077A>C, p.Gln1026Pro (NM_001354900.2); and 5 more; short protein forms Q1067P, Q1049P, Q784P, Q941P, Q966P, Q1026P, Q1042P, Q1085P.
Identifiers: ClinVar variation 628189 (VCV000628189.6), dbSNP rs1561582871, ClinGen allele CA16028352.